The following is an entry in ClinVar:

NM_012309.5(SHANK2):c.3105C>T (p.Ile1035=)

Gene: SHANK2 (SH3 and multiple ankyrin repeat domains 2; minus strand). Cytogenetic location: 11q13.3.
Variant type: single nucleotide variant.
Coding change: c.3105C>T on transcript NM_012309.5 (MANE Select); coding-DNA position 3105, C replaced by T.
Protein change: p.Ile1035=; no amino-acid change (isoleucine 1035 retained).
Molecular consequence: synonymous variant.
Genome position (GRCh38, 1-based): chr11:70,487,188, G>A on the plus strand (C>T on the coding strand, the complement: SHANK2 is on the minus strand). VCF-style: chr11-70487188-G-A. GRCh37 (hg19) VCF-style: chr11-70333293-G-A.
Other names: c.1968C>T, p.Ile656= (NM_001379226.1); c.1341C>T, p.Ile447= (NM_133266.5).
Identifiers: ClinVar variation 709452 (VCV000709452.10), dbSNP rs115697891, ClinGen allele CA6161177.
Genomic context (GRCh38, chr11:70,487,188, plus strand): 5'-GATCTCCATGCTGCTGCCCTGGCTGCTCTTGCCGCTGCTGCTGGTGGACGGCTCCTTCAC[G>A]ATGATGGTCGGGATAGGGATGGAGCACGTCTTCTCGGGGCTGTCCTCCACGTTGGACTGC-3'
Protein context (NP_036441.2, residues 1025-1045): KTCSIPIPTI[Ile1035=]VKEPSTSSSG

ClinVar aggregate classification (germline): Benign/Likely benign. Review status: criteria provided, multiple submitters, no conflicts (2 of 4 stars). 5 submissions from 5 submitters: Benign (4); Likely benign (1). Last evaluated 2026-08-01.

Allele frequency attached by ClinVar (database versions not stated): gnomAD exomes 0.00030 and 0.00069; ExAC 0.00093; gnomAD 0.00298 and 0.00314; TOPMed 0.00339; 1000 Genomes Project 0.00419; 1000 Genomes Project 30x 0.00422; ESP Exome Variant Server 0.00477.
gnomAD v4.1: 908 of 1,613,758 alleles (0.056%); highest among the groups gnomAD compares: African/African-American, 1.1%; 4 homozygotes.

Submissions (5):

CeGaT Center for Human Genetics Tuebingen
Classification: Likely benign. Last evaluated: 2026-08-01. Review status: criteria provided, single submitter. Criteria: CeGaT Center For Human Genetics Tuebingen Variant Classification Criteria Version 2. Collection method: clinical testing. Allele origin: germline. Affected: yes. Observed: 1 variant allele.
Comment: SHANK2: BP4, BP7, BS1

Blueprint Genetics
Classification: Benign. Last evaluated: 2024-04-11. Review status: criteria provided, single submitter. Criteria: ACMG Guidelines, 2015. Collection method: clinical testing. Allele origin: germline.

Genetic Services Laboratory, University of Chicago
Classification: Benign. Last evaluated: 2019-07-03. Review status: criteria provided, single submitter. Criteria: ACMG Guidelines, 2015. Collection method: clinical testing. Allele origin: germline. Affected: no.

Labcorp Genetics (formerly Invitae), Labcorp
Classification: Benign. Last evaluated: 2018-12-19. Review status: criteria provided, single submitter. Criteria: Invitae Variant Classification Sherloc (09022015). Collection method: clinical testing. Allele origin: germline.

Breakthrough Genomics
Classification: Benign. Review status: criteria provided, single submitter. Criteria: ACMG Guidelines, 2015. Collection method: not provided. Allele origin: germline. Inheritance: Unknown mechanism. Affected: yes.